The following is an entry in ClinVar:

ClinVar aggregate classification (germline): Uncertain significance (1 of 4 stars; one submission).

Submission:

Labcorp Genetics (formerly Invitae), Labcorp
Classification: Uncertain significance. Last evaluated: 2025-02-19. Review status: criteria provided, single submitter. Criteria: Invitae Variant Classification Sherloc (09022015). Collection method: clinical testing. Allele origin: germline.
Comment: This sequence change replaces alanine, which is neutral and non-polar, with aspartic acid, which is acidic and polar, at codon 666 of the COL9A3 protein (p.Ala666Asp). This variant is not present in population databases (gnomAD no frequency). This variant has not been reported in the literature in individuals affected with COL9A3-related conditions. ClinVar contains an entry for this variant (Variation ID: 2067981). Invitae Evidence Modeling of protein sequence and biophysical properties (such as structural, functional, and spatial information, amino acid conservation, physicochemical variation, residue mobility, and thermodynamic stability) indicates that this missense variant is not expected to disrupt COL9A3 protein function with a negative predictive value of 95%. In summary, the available evidence is currently insufficient to determine the role of this variant in disease. Therefore, it has been classified as a Variant of Uncertain Significance.

NM_001853.4(COL9A3):c.1997C>A (p.Ala666Asp)

Gene: COL9A3 (collagen type IX alpha 3 chain; plus strand). Cytogenetic location: 20q13.33.
Variant type: single nucleotide variant.
Coding change: c.1997C>A on transcript NM_001853.4 (MANE Select); coding-DNA position 1997, C replaced by A.
Protein change: p.Ala666Asp; replaces alanine 666 with aspartic acid.
Molecular consequence: missense variant.
Genome position (GRCh38, 1-based): chr20:62,840,674, C>A. VCF-style: chr20-62840674-C-A. GRCh37 (hg19) VCF-style: chr20-61472026-C-A.
Other names: short protein forms A666D.
Identifiers: ClinVar variation 2067981 (VCV002067981.4), dbSNP rs758764249, ClinGen allele CA409601815.
Genomic context (GRCh38, chr20:62,840,674, plus strand): 5'-ATCCTGGGCTTCCAGGTGCCATTGGGGCCCAGGGGACACCGGGGATCTGCGACACCTCAG[C>A]CTGCCAAGGAGCCGTGTTAGGAGGGGTCGGGGAGAAATCAGGCTCTCGAAGCTCATAAAA-3'
Protein context (NP_001844.3, residues 656-676): QGTPGICDTS[Ala666Asp]CQGAVLGGVG